The following is an entry in ClinVar:

ClinVar aggregate classification (germline): Conflicting classifications of pathogenicity. Review status: criteria provided, conflicting classifications (1 of 4 stars). 20 submissions from 20 submitters: Uncertain significance (1); Benign (13); Likely benign (3). 3 of the submissions do not count toward it. Last evaluated 2026-09-01.

Conditions:
Brugada syndrome. Also called: Sudden Unexplained Death Syndrome; Sudden Unexplained Nocturnal Death Syndrome (SUNDS); Sudden unexpected nocturnal death syndrome; Sudden unexplained nocturnal death syndrome. Identifiers: Orphanet 130, MedGen C1142166, MONDO:0015263.
Primary dilated cardiomyopathy (DCM). Also called: Dilated Cardiomyopathy. Identifiers: Orphanet 217604, MedGen C0007193, MeSH D002311, MONDO:0005021, HP:0001644. Inheritance: Various modes of inheritance.
Cardiovascular phenotype. Identifiers: MedGen CN230736.
Autosomal recessive limb-girdle muscular dystrophy type 2J (LGMDR10). Also called: MUSCULAR DYSTROPHY, LIMB-GIRDLE, AUTOSOMAL RECESSIVE 10; Limb-girdle muscular dystrophy, type 2J. Identifiers: Orphanet 140922, MedGen C1837342, MONDO:0012127, OMIM 608807.
Dilated cardiomyopathy 1G (CMD1G). Identifiers: Orphanet 154, MedGen C1858763, MONDO:0011400, OMIM 604145.
Cardiomyopathy (CMYO). Also called: Cardiomyopathies. Identifiers: Orphanet 167848, MedGen C0878544, MONDO:0004994, HP:0001638. Inheritance: Various modes of inheritance.

Submissions (20):

CeGaT Center for Human Genetics Tuebingen
Classification: Benign. Last evaluated: 2026-09-01. Review status: criteria provided, single submitter. Criteria: CeGaT Center For Human Genetics Tuebingen Variant Classification Criteria Version 2. Collection method: clinical testing. Allele origin: germline. Affected: yes. Observed: 98 variant alleles.
Comment: TTN: PM4:Supporting, BS1, BS2

Labcorp Genetics (formerly Invitae), Labcorp
Classification: Benign for Dilated cardiomyopathy 1G; Autosomal recessive limb-girdle muscular dystrophy type 2J. Last evaluated: 2026-02-04. Review status: criteria provided, single submitter. Criteria: Invitae Variant Classification Sherloc (09022015). Collection method: clinical testing. Allele origin: germline.

ARUP Laboratories, Molecular Genetics and Genomics, ARUP Laboratories
Classification: Benign. Last evaluated: 2025-05-29. Review status: criteria provided, single submitter. Criteria: ARUP Molecular Germline Variant Investigation Process 2024. Collection method: clinical testing. Allele origin: germline.

Molecular Diagnostic Laboratory for Inherited Cardiovascular Disease, Montreal Heart Institute
Classification: Likely benign. Last evaluated: 2025-04-09. Review status: criteria provided, single submitter. Criteria: ACMG Guidelines, 2015. Collection method: clinical testing. Allele origin: germline. Affected: no.

Blueprint Genetics
Classification: Likely benign. Last evaluated: 2024-11-26. Review status: criteria provided, single submitter. Criteria: ACMG Guidelines, 2015. Collection method: clinical testing. Allele origin: germline.

Athena Diagnostics
Classification: Benign. Last evaluated: 2024-06-03. Review status: criteria provided, single submitter. Criteria: Athena Diagnostics Criteria. Collection method: clinical testing. Allele origin: unknown.

Mayo Clinic Laboratories, Mayo Clinic
Classification: Benign. Last evaluated: 2024-05-30. Review status: criteria provided, single submitter. Criteria: ACMG Guidelines, 2015. Collection method: clinical testing. Allele origin: germline. Observed: 72 variant alleles.
Comment: BS1, BS2

Women's Health and Genetics/Laboratory Corporation of America, LabCorp
Classification: Benign. Last evaluated: 2019-08-26. Review status: criteria provided, single submitter. Criteria: LabCorp Variant Classification Summary - May 2015. Collection method: clinical testing. Allele origin: germline.
Comment: Variant summary: TTN c.29781_29783dupAGA (p.Glu9928dup) results in an in-frame duplication in exon 137 of the encoded protein. The variant allele was found at a frequency of 0.011 in 248470 control chromosomes in the gnomAD database, including 22 homozygotes. The observed variant frequency is approximately 18.0 fold of the estimated maximal expected allele frequency for a pathogenic variant in TTN causing Cardiomyopathy phenotype (0.00063), strongly suggesting that the variant is benign. To our knowledge, no conclusive occurrence of c.29781_29783dupAGA in individuals affected with Cardiomyopathy and no experimental evidence demonstrating its impact on protein function have been reported. Co-occurrences with other pathogenic/likely pathogenic variant(s) have been reported in the literature as well as at our laboratory (example DSP c.939+1G>A (Pugh_2014); TTN c.34782_34785delTTGT, p.Cys11595fs*9, our laboratory), providing supporting evidence for a benign role. Four clinical diagnostic laboratories have submitted clinical-significance assessments for this variant to ClinVar after 2014 without evidence for independent evaluation. All laboratories classified the variant as benign/likely benign. Based on the evidence outlined above, the variant was classified as benign.

CHEO Genetics Diagnostic Laboratory, Children's Hospital of Eastern Ontario
Classification: Benign for Cardiomyopathy. Last evaluated: 2019-05-10. Review status: criteria provided, single submitter. Criteria: ACMG Guidelines, 2015. Collection method: clinical testing. Allele origin: germline. Study: Canadian Open Genetics Repository.

Center for Advanced Laboratory Medicine, UC San Diego Health, University of California San Diego
Classification: Likely benign for Brugada syndrome; Dilated cardiomyopathy. Last evaluated: 2018-12-24. Review status: criteria provided, single submitter. Criteria: ACMG Guidelines, 2015. Collection method: clinical testing. Allele origin: germline. Affected: yes. Observed: 2 variant alleles.

PreventionGenetics, part of Exact Sciences
Classification: Benign. Last evaluated: 2018-10-11. Review status: criteria provided, single submitter. Criteria: ACMG Guidelines, 2015. Collection method: clinical testing. Allele origin: germline.

Eurofins Ntd Llc (ga)
Classification: Benign. Last evaluated: 2015-07-06. Review status: criteria provided, single submitter. Criteria: EGL Classification Definitions. Collection method: clinical testing. Allele origin: germline. Observed: 2 variant alleles.

GeneDx
Classification: Benign. Last evaluated: 2015-03-03. Review status: criteria provided, single submitter. Criteria: GeneDx Variant Classification Process June 2021. Collection method: clinical testing. Allele origin: germline. Affected: yes.

Genetic Services Laboratory, University of Chicago
Classification: Uncertain significance. Last evaluated: 2014-09-02. Review status: criteria provided, single submitter. Criteria: ACMG Guidelines, 2015. Collection method: clinical testing. Allele origin: germline.

Biesecker Lab/Clinical Genomics Section, National Institutes of Health
Classification: Benign. Last evaluated: 2013-06-24. Review status: criteria provided, single submitter. Criteria: Ng et al. (Circ Cardiovasc Genet. 2013). Collection method: research. Allele origin: unknown. Observed: 19 variant alleles. Study: ClinSeq.
Comment: The study set was not selected for affection status in relation to any cancer. Pathogenicity categories were based on literature curation. See Pubmed ID:23861362 for details.

Medical sequencing

Ambry Genetics
Classification: Benign for Cardiovascular phenotype. Last evaluated: 2013-02-28. Review status: criteria provided, single submitter. Criteria: Ambry Autosomal Dominant and X-Linked criteria (10/2015). Collection method: clinical testing. Allele origin: germline. Observed: 1 variant allele.

Laboratory for Molecular Medicine, Mass General Brigham Personalized Medicine
Classification: Benign. Last evaluated: 2012-11-27. Review status: criteria provided, single submitter. Criteria: LMM Criteria. Collection method: clinical testing. Allele origin: germline. Observed: 55 variant alleles.
Comment: Glu9928dup in exon 137 of TTN: This variant is not expected to have clinical sig nificance because it has been identified in 1.6% (131/7868) of European American chromosomes from a broad population by the NHLBI Exome Sequencing Project.

Clinical Genetics DNA and cytogenetics Diagnostics Lab, Erasmus MC, Erasmus Medical Center
Classification: Benign. Review status: no assertion criteria provided. Collection method: clinical testing. Allele origin: germline. Affected: yes. Study: VKGL Data-share Consensus. Not counted in ClinVar's aggregate classification.

Clinical Genetics, Academic Medical Center
Classification: Benign. Review status: no assertion criteria provided. Collection method: clinical testing. Allele origin: germline. Affected: yes. Study: VKGL Data-share Consensus. Not counted in ClinVar's aggregate classification.

Laboratory of Diagnostic Genome Analysis, Leiden University Medical Center (LUMC)
Classification: Likely benign. Review status: no assertion criteria provided. Collection method: clinical testing. Allele origin: germline. Affected: yes. Study: VKGL Data-share Consensus. Not counted in ClinVar's aggregate classification.

Literature cited by the submitters: PubMed 29038103 (cited by Athena Diagnostics); PubMed 31127036 (cited by Athena Diagnostics); PubMed 30775854 (cited by Athena Diagnostics); PubMed 24503780 (cited by Women's Health and Genetics/Laboratory Corporation of America, LabCorp); PubMed 21810661 (cited by Laboratory for Molecular Medicine, Mass General Brigham Personalized Medicine).

NM_001267550.2(TTN):c.33501AGA[6] (p.Glu11172dup)

Gene: TTN (titin; minus strand). Cytogenetic location: 2q31.2.
Variant type: Microsatellite.
Coding change: c.33501AGA[6] on transcript NM_001267550.2 (MANE Select); six copies in a row of the 3-base unit AGA starting at c.33501; the reference has five copies in a row; one copy, 3 bases duplicated.
Protein change: p.Glu11172dup; duplicates glutamic acid 11172.
Molecular consequence: inframe insertion. On other transcripts: intron variant (3).
Genome position (GRCh38, 1-based): chr2:178,679,959-178,679,961, TCT duplicated on the plus strand (AGA on the coding strand, the reverse complement: TTN is on the minus strand); duplicating any 3 consecutive bases within chr2:178,679,959-178,679,973 gives the same sequence; the position shown is the placement nearest the transcript's 3' end. VCF-style (leftmost placement, unchanged base first): chr2-178679958-C-CTCT. GRCh37 (hg19) VCF-style: chr2-179544685-C-CTCT.
Other names: p.Glu9928dup; p.Glu9928_Tyr9929insGlu; p.Glu10855dup; c.33513_33515dupAGA (NM_001267550.2); c.29781_29783dupAGA (NM_133378.4); c.32550AGA[6], p.Glu10855dup (NM_001256850.1); c.29769AGA[6], p.Glu9928dup (NM_133378.4); c.13283-37656AGA[6] (NM_003319.4); and 3 more.
Identifiers: ClinVar variation 46889 (VCV000046889.78), dbSNP rs368327166, ClinGen allele CA200109.
Genomic context (GRCh38, chr2:178,679,958, plus strand): 5'-GACTGGTATCACTGGCACCACTTCTTCCTCAGTTATGAACTCCTCTTCTTCATGAATGTA[C>CTCT]TCTTCTTCTTCTTCTACAAGATATTCTTCTACATGGGTTACAACTTCCTCTTCAAAGGCA-3'